The following is an entry in ClinVar:

ClinVar aggregate classification (germline): Uncertain significance. Review status: criteria provided, multiple submitters, no conflicts (2 of 4 stars). 2 submissions from 2 submitters: Uncertain significance (2). Last evaluated 2021-11-10.

Conditions:
Granulomatous disease, chronic, autosomal recessive, cytochrome b-positive, type 2. Also called: GRANULOMATOUS DISEASE, CHRONIC, AUTOSOMAL RECESSIVE, 2; Chronic granulomatous disease due to deficiency of NCF-2; Chronic Granulomatous Disease, Autosomal Recessive, Cytochrome b-Positive, Type II; GRANULOMATOUS DISEASE, CHRONIC, DUE TO NCF2 DEFICIENCY; CGD, AUTOSOMAL RECESSIVE CYTOCHROME b-POSITIVE, TYPE II. Identifiers: Orphanet 379, MedGen C1856245, MONDO:0009310, OMIM 233710.
Inborn genetic diseases. Identifiers: MedGen C0950123, MeSH D030342.

Allele frequency attached by ClinVar (database versions not stated): gnomAD exomes below 0.00001; TOPMed below 0.00001; gnomAD 0.00001; ESP Exome Variant Server 0.00008.

Submissions (2):

Ambry Genetics
Classification: Uncertain significance for Inborn genetic diseases. Last evaluated: 2021-11-10. Review status: criteria provided, single submitter. Criteria: Ambry Variant Classification Scheme 2023. Collection method: clinical testing. Allele origin: germline.

Labcorp Genetics (formerly Invitae), Labcorp
Classification: Uncertain significance for Granulomatous disease, chronic, autosomal recessive, cytochrome b-positive, type 2. Last evaluated: 2021-09-24. Review status: criteria provided, single submitter. Criteria: Invitae Variant Classification Sherloc (09022015). Collection method: clinical testing. Allele origin: germline.
Comment: This sequence change replaces serine with isoleucine at codon 8 of the NCF2 protein (p.Ser8Ile). The serine residue is weakly conserved and there is a large physicochemical difference between serine and isoleucine. This variant is not present in population databases (ExAC no frequency). This variant has not been reported in the literature in individuals with NCF2-related conditions. Algorithms developed to predict the effect of missense changes on protein structure and function are either unavailable or do not agree on the potential impact of this missense change (SIFT: "Deleterious"; PolyPhen-2: "Possibly Damaging"; Align-GVGD: "Class C15"). In summary, the available evidence is currently insufficient to determine the role of this variant in disease. Therefore, it has been classified as a Variant of Uncertain Significance.

NM_000433.4(NCF2):c.23G>T (p.Ser8Ile)

Gene: NCF2 (neutrophil cytosolic factor 2; minus strand). Cytogenetic location: 1q25.3.
Variant type: single nucleotide variant.
Coding change: c.23G>T on transcript NM_000433.4 (MANE Select); coding-DNA position 23, G replaced by T.
Protein change: p.Ser8Ile; replaces serine 8 with isoleucine.
Molecular consequence: missense variant.
Genome position (GRCh38, 1-based): chr1:183,590,307, C>A on the plus strand (G>T on the coding strand, the complement: NCF2 is on the minus strand). VCF-style: chr1-183590307-C-A. GRCh37 (hg19) VCF-style: chr1-183559442-C-A.
Other names: c.23G>T, p.Ser8Ile (NM_001127651.3, NM_001190789.2, NM_001190794.2); c.23G>T (NM_000433.3); short protein forms S8I.
Identifiers: ClinVar variation 1400724 (VCV001400724.6), dbSNP rs368880633, ClinGen allele CA33993109.